The following is an entry in ClinVar:

NM_000384.3(APOB):c.7484G>T (p.Trp2495Leu)

Gene: APOB (apolipoprotein B; minus strand). Cytogenetic location: 2p24.1.
Variant type: single nucleotide variant.
Coding change: c.7484G>T on transcript NM_000384.3 (MANE Select); coding-DNA position 7484, G replaced by T.
Protein change: p.Trp2495Leu; replaces tryptophan 2495 with leucine.
Molecular consequence: missense variant.
Genome position (GRCh38, 1-based): chr2:21,009,384, C>A on the plus strand (G>T on the coding strand, the complement: APOB is on the minus strand). VCF-style: chr2-21009384-C-A. GRCh37 (hg19) VCF-style: chr2-21232256-C-A.
Other names: c.7484G>T (NM_000384.2); short protein forms W2495L.
Identifiers: ClinVar variation 3760851 (VCV003760851.4).

ClinVar aggregate classification (germline): Conflicting classifications of pathogenicity. Review status: criteria provided, conflicting classifications (1 of 4 stars). 3 submissions from 3 submitters: Uncertain significance (2); Likely benign (1). Last evaluated 2026-06-01.

Conditions:
Cardiovascular phenotype. Identifiers: MedGen CN230736.
Familial hypobetalipoproteinemia 1. Also called: Hypobetalipoproteinemia, normotriglyceridemic; Acanthocytosis with hypobetalipoproteinemia; APOB-Related Familial Hypobetalipoproteinemia. Identifiers: MedGen C4551990, MONDO:0014252, OMIM 615558.
Hypercholesterolemia, autosomal dominant, type B (FHCL2). Also called: APOB-Related Familial Hypercholesterolemia, Autosomal Dominant; Familial Hypercholesterolemia Type B; APOLIPOPROTEIN B-100, FAMILIAL DEFECTIVE; APOLIPOPROTEIN B-100, FAMILIAL LIGAND-DEFECTIVE; Familial hypercholesterolemia 2; HYPERCHOLESTEROLEMIA, FAMILIAL, DUE TO LIGAND-DEFECTIVE APOLIPOPROTEIN B. Identifiers: MedGen C1704417, MONDO:0007751, OMIM 144010.

gnomAD v4.1: 4 of 1,614,052 alleles (0.00025%); highest among the groups gnomAD compares: East Asian, 0.0089%; no homozygotes.

Submissions (3):

Ambry Genetics
Classification: Uncertain significance for Cardiovascular phenotype. Last evaluated: 2026-06-01. Review status: criteria provided, single submitter. Criteria: Ambry Variant Classification Scheme 2023. Collection method: clinical testing. Allele origin: germline.
Comment: The p.W2495L variant (also known as c.7484G>T), located in coding exon 26 of the APOB gene, results from a G to T substitution at nucleotide position 7484. The tryptophan at codon 2495 is replaced by leucine, an amino acid with similar properties. This amino acid position is conserved. In addition, this alteration is predicted to be tolerated by in silico analysis. Based on the available evidence, the clinical significance of this variant remains unclear.

GeneDx
Classification: Uncertain significance. Last evaluated: 2024-12-18. Review status: criteria provided, single submitter. Criteria: GeneDx Variant Classification Process June 2021. Collection method: clinical testing. Allele origin: germline. Affected: yes.
Comment: Not observed at significant frequency in large population cohorts (gnomAD); In silico analysis supports that this missense variant has a deleterious effect on protein structure/function; Has not been previously published as pathogenic or benign to our knowledge

Labcorp Genetics (formerly Invitae), Labcorp
Classification: Likely benign for Familial hypobetalipoproteinemia 1; Hypercholesterolemia, autosomal dominant, type B. Last evaluated: 2024-08-11. Review status: criteria provided, single submitter. Criteria: Invitae Variant Classification Sherloc (09022015). Collection method: clinical testing. Allele origin: germline.